The following is an entry in ClinVar:

NM_000038.6(APC):c.645+1G>T

Gene: APC (APC regulator of Wnt signaling pathway; plus strand). Cytogenetic location: 5q22.2.
Variant type: single nucleotide variant.
Coding change: c.645+1G>T on transcript NM_000038.6 (MANE Select); the canonical splice donor site of the intron after coding-DNA position 645, G replaced by T.
Molecular consequence: splice donor variant.
Genome position (GRCh38, 1-based): chr5:112,780,904, G>T. VCF-style: chr5-112780904-G-T. GRCh37 (hg19) VCF-style: chr5-112116601-G-T.
Other names: c.-391+1G>T (NM_001407470.1, NM_001407472.1, NM_001354906.2 and 1 more transcripts); c.645+1G>T (NM_001407447.1, NM_001354895.2, NM_001407456.1 and 16 more transcripts); c.675+1G>T (NM_001407446.1, NM_001354897.2, NM_001354902.2 and 1 more transcripts); c.468+1G>T (NM_001407453.1, NM_001354900.2, NM_001354901.2 and 1 more transcripts); c.570+1G>T (NM_001407451.1, NM_001354898.2, NM_001354904.2).
Identifiers: ClinVar variation 482288 (VCV000482288.23), dbSNP rs863225370, ClinGen allele CA360617499.

ClinVar aggregate classification (germline): Pathogenic/Likely pathogenic. Review status: criteria provided, multiple submitters, no conflicts (2 of 4 stars). 6 submissions from 6 submitters: Pathogenic (4); Likely pathogenic (2). Last evaluated 2026-09-28.

Conditions:
Hereditary cancer-predisposing syndrome. Also called: Neoplastic Syndromes, Hereditary; Hereditary neoplastic syndrome; Hereditary Cancer Syndrome; Tumor predisposition. Identifiers: Orphanet 140162, MedGen C0027672, MeSH D009386, MONDO:0015356.
Hepatocellular carcinoma (HCC). Also called: Primary carcinoma of liver; HEPATOMA; LIVER CELL CARCINOMA. Identifiers: Orphanet 88673, MedGen C2239176, MONDO:0007256, OMIM 114550, HP:0001402.
Desmoid disease, hereditary (DESMD). Also called: FIBROMATOSIS, FAMILIAL INFILTRATIVE. Identifiers: Orphanet 873, MedGen C1851124, OMIM 135290. Disease mechanism: loss of function.
Colorectal cancer. Also called: Malignant Colorectal Neoplasm; Colorectal cancer, somatic. Identifiers: MedGen C0346629, MONDO:0005575, OMIM 114500.
Gastric adenocarcinoma and proximal polyposis of the stomach (GAPPS). Also called: Polyposis, gastric, Dos Santos and de Magalhaes 1980; Gastric Adenocarcinoma and Proximal Polyposis of the Stomach (GAPPS); POLYPOSIS, GASTRIC. Identifiers: Orphanet 314022, MedGen C4749917, MONDO:0017790, OMIM 619182.
Gastric cancer. Also called: Malignant tumor of stomach; Stomach cancer. Identifiers: MedGen C0024623, MeSH D013274, MONDO:0001056, OMIM 613659, HP:0012126.
Familial adenomatous polyposis 1 (FAP1). Also called: POLYPOSIS, ADENOMATOUS INTESTINAL; FAMILIAL ADENOMATOUS POLYPOSIS 1, ATTENUATED. Identifiers: MedGen C2713442, MONDO:0021056, OMIM 175100. Disease mechanism: loss of function.

Submissions (7):

Department of Molecular Genetics, Istishari Arab Hospital
Classification: Pathogenic for Familial adenomatous polyposis 1. Last evaluated: 2026-09-28. Review status: criteria provided, single submitter. Criteria: ACMG Guidelines, 2015. Collection method: clinical testing. Allele origin: germline. Inheritance: Autosomal dominant inheritance. Affected: yes.
Comment: The APC variant c.645+1G>T affects the canonical donor splice-site variant and is expected to alter normal splicing. The variant is not observed in the gnomAD v4.1.0 dataset. This variant has previously been identified in patients with APC-related disorders (PMID: 17411426‚ 17963004‚ 20685668). It is classified as pathogenic according to the recommendations of ACMG/AMP/ClinGen SVI guidelines.

Ambry Genetics
Classification: Pathogenic for Hereditary cancer-predisposing syndrome. Last evaluated: 2026-08-31. Review status: criteria provided, single submitter. Criteria: Ambry Variant Classification Scheme 2023. Collection method: clinical testing. Allele origin: germline.
Comment: The c.645+1G>T intronic pathogenic mutation results from a G to T substitution one nucleotide after coding exon 5 of the APC gene. This alteration has been reported in multiple individuals with a personal and/or family history of FAP (Ambry internal data; Stekrova J et al. BMC Med. Genet. 2007; 8:16). RNA analysis reportedly reflected skipping of exon 5 which is an in frame event (Schwarzov&aacute; L. Fam. Cancer. 2013 Mar;12(1):35-42.), and RNA studies have demonstrated that this alteration results in abnormal splicing in the set of samples tested (Ambry internal data). Additionally, an alteration at the same position, c.645+1G>A, was identified in 1 of 160 unrelated patients with FAP and was also shown to co-segregate with disease in the family (Olschwang S et al. Am. J. Hum. Genet. 1993 Feb; 52(2):273-9). In addition to the clinical data presented in the literature, alterations that disrupt the canonical splice site are expected to cause aberrant splicing, resulting in an abnormal protein or a transcript that is subject to nonsense-mediated mRNA decay. Based on the supporting evidence, this alteration is interpreted as a disease-causing mutation.

Fulgent Genetics
Classification: Likely pathogenic for Colorectal cancer; Hepatocellular carcinoma; Desmoid disease, hereditary; Familial adenomatous polyposis 1; Gastric cancer; Gastric adenocarcinoma and proximal polyposis of the stomach. Last evaluated: 2024-05-21. Review status: criteria provided, single submitter. Criteria: ACMG Guidelines, 2015. Collection method: clinical testing. Allele origin: germline.

Baylor Genetics
Classification: Pathogenic for Familial adenomatous polyposis 1. Last evaluated: 2023-06-06. Review status: criteria provided, single submitter. Criteria: ACMG Guidelines, 2015. Collection method: clinical testing. Allele origin: unknown.

Myriad Genetics, Inc.
Classification: Likely pathogenic for Familial adenomatous polyposis 1. Last evaluated: 2023-04-27. Review status: criteria provided, single submitter. Criteria: Myriad Autosomal Dominant, Autosomal Recessive and X-Linked Classification Criteria (2023). Collection method: clinical testing. Allele origin: unknown.
Comment: This variant is considered likely pathogenic. This variant occurs within a consensus splice junction and is predicted to result in abnormal mRNA splicing of either an out-of-frame exon or an in-frame exon necessary for protein stability and/or normal function.

Labcorp Genetics (formerly Invitae), Labcorp
Classification: Pathogenic for Familial adenomatous polyposis 1. Last evaluated: 2022-10-13. Review status: criteria provided, single submitter. Criteria: Invitae Variant Classification Sherloc (09022015). Collection method: clinical testing. Allele origin: germline.
Comment: Disruption of this splice site has been observed in individuals with familial adenomatous polyposis (PMID: 17411426, 20685668; Invitae). For these reasons, this variant has been classified as Pathogenic. Algorithms developed to predict the effect of sequence changes on RNA splicing suggest that this variant may disrupt the consensus splice site. ClinVar contains an entry for this variant (Variation ID: 482288). This variant is not present in population databases (gnomAD no frequency). This sequence change affects a donor splice site in intron 6 of the APC gene. It is expected to disrupt RNA splicing. Variants that disrupt the donor or acceptor splice site typically lead to a loss of protein function (PMID: 16199547), and loss-of-function variants in APC are known to be pathogenic (PMID: 17963004, 20685668).

Dr. Peter K. Rogan Lab, Western University
No classification provided (evidence only). Condition: Malignant tumor of urinary bladder. Review status: no classification provided. Collection method: in vitro. Allele origin: not applicable. Functional consequence: retained intron. Not counted in ClinVar's aggregate classification.

Literature cited by the submitters: PubMed 17411426 (cited by 3 submitters); PubMed 17963004 (cited by Department of Molecular Genetics, Istishari Arab Hospital and Labcorp Genetics (formerly Invitae), Labcorp); PubMed 20685668 (cited by Department of Molecular Genetics, Istishari Arab Hospital and Labcorp Genetics (formerly Invitae), Labcorp); PubMed 22987206 (cited by Ambry Genetics); PubMed 25525159 (cited by Ambry Genetics); PubMed 8381580 (cited by Ambry Genetics); PubMed 16199547 (cited by Labcorp Genetics (formerly Invitae), Labcorp).